The following is an entry in ClinVar:

ClinVar aggregate classification (germline): Likely benign. Review status: criteria provided, single submitter (1 of 4 stars). 2 submissions from 2 submitters: Likely benign (1). 1 of the submissions does not count toward it. Last evaluated 2025-09-22.

Conditions:
CREBBP-related disorder. Also called: CREBBP-related condition; CREBBP-related disorders.
Rubinstein-Taybi syndrome (RSTS). Identifiers: Orphanet 783, MedGen C0035934, MONDO:0019188.

Allele frequency attached by ClinVar (database versions not stated): gnomAD exomes below 0.00001; TOPMed below 0.00001; ExAC 0.00001.
gnomAD v4.1: 2 of 1,610,582 alleles (0.00012%); highest among the groups gnomAD compares: Admixed American, 0.0033%; no homozygotes.

Submissions (2):

Labcorp Genetics (formerly Invitae), Labcorp
Classification: Likely benign for Rubinstein-Taybi syndrome. Last evaluated: 2025-09-22. Review status: criteria provided, single submitter. Criteria: Invitae Variant Classification Sherloc (09022015). Collection method: clinical testing. Allele origin: germline.

PreventionGenetics, part of Exact Sciences
Classification: Likely benign for CREBBP-related condition. Last evaluated: 2022-08-05. Review status: no assertion criteria provided. Collection method: clinical testing. Allele origin: germline. Not counted in ClinVar's aggregate classification.
Comment: This variant is classified as likely benign based on ACMG/AMP sequence variant interpretation guidelines (Richards et al. 2015 PMID: 25741868, with internal and published modifications).

NM_004380.3(CREBBP):c.1965A>G (p.Ala655=)

Gene: CREBBP (CREB binding lysine acetyltransferase; minus strand). Cytogenetic location: 16p13.3.
Variant type: single nucleotide variant.
Coding change: c.1965A>G on transcript NM_004380.3 (MANE Select); coding-DNA position 1965, A replaced by G.
Protein change: p.Ala655=; no amino-acid change (alanine 655 retained).
Molecular consequence: synonymous variant.
Genome position (GRCh38, 1-based): chr16:3,778,159, T>C on the plus strand (A>G on the coding strand, the complement: CREBBP is on the minus strand). VCF-style: chr16-3778159-T-C. GRCh37 (hg19) VCF-style: chr16-3828160-T-C.
Other names: c.1851A>G, p.Ala617= (NM_001079846.1).
Identifiers: ClinVar variation 3031064 (VCV003031064.3), dbSNP rs748515852, ClinGen allele CA7870299.
Genomic context (GRCh38, chr16:3,778,159, plus strand): 5'-TTTATGTAAACGCGACCTCCGTTTTTCTTCTAGTTCTTTTTGTATCTTGTAGATTTTCTC[T>C]GCTAATAAGTGATAATATTCATCCTAAAAAGCAATAATATTCAATATGAAACAGTTAAAA-3'
Protein context (NP_004371.2, residues 645-665): NSRDEYYHLL[Ala655=]EKIYKIQKEL